The following is an entry in ClinVar:

ClinVar aggregate classification (germline): Uncertain significance. Review status: criteria provided, multiple submitters, no conflicts (2 of 4 stars). 5 submissions from 5 submitters: Uncertain significance (4). 1 of the submissions does not count toward it. Last evaluated 2025-03-17.

Conditions:
Inborn genetic diseases. Identifiers: MedGen C0950123, MeSH D030342.
RP1-related disorder. Also called: RP1-related condition.
Retinitis pigmentosa (RP). Identifiers: Orphanet 791, MedGen C0035334, MeSH D012174, MONDO:0019200, OMIM 268000. Inheritance: Autosomal dominant, autosomal recessive and X linked inheritance.

Allele frequency attached by ClinVar (database versions not stated): ExAC 0.00002; gnomAD exomes 0.00002 and 0.00006; gnomAD 0.00003 and 0.00004; TOPMed 0.00003; ESP Exome Variant Server 0.00008.

Submissions (5):

Labcorp Genetics (formerly Invitae), Labcorp
Classification: Uncertain significance. Last evaluated: 2025-03-17. Review status: criteria provided, single submitter. Criteria: Invitae Variant Classification Sherloc (09022015). Collection method: clinical testing. Allele origin: germline.
Comment: This sequence change replaces methionine, which is neutral and non-polar, with valine, which is neutral and non-polar, at codon 1567 of the RP1 protein (p.Met1567Val). This variant is present in population databases (rs374421129, gnomAD 0.005%). This variant has not been reported in the literature in individuals affected with RP1-related conditions. ClinVar contains an entry for this variant (Variation ID: 363301). An algorithm developed to predict the effect of missense changes on protein structure and function (PolyPhen-2) suggests that this variant is likely to be tolerated. In summary, the available evidence is currently insufficient to determine the role of this variant in disease. Therefore, it has been classified as a Variant of Uncertain Significance.

Blueprint Genetics
Classification: Uncertain significance. Last evaluated: 2023-06-09. Review status: criteria provided, single submitter. Criteria: ACMG Guidelines, 2015. Collection method: clinical testing. Allele origin: germline.

Ambry Genetics
Classification: Uncertain significance for Inborn genetic diseases. Last evaluated: 2022-11-08. Review status: criteria provided, single submitter. Criteria: Ambry Variant Classification Scheme 2023. Collection method: clinical testing. Allele origin: germline.

Illumina Laboratory Services, Illumina
Classification: Uncertain significance for Retinitis pigmentosa. Last evaluated: 2018-01-13. Review status: criteria provided, single submitter. Criteria: ICSL Variant Classification Criteria 13 December 2019. Collection method: clinical testing. Allele origin: germline.

PreventionGenetics, part of Exact Sciences
Classification: Uncertain significance for RP1-related condition. Last evaluated: 2024-09-09. Review status: no assertion criteria provided. Collection method: clinical testing. Allele origin: germline. Not counted in ClinVar's aggregate classification.
Comment: The RP1 c.4699A>G variant is predicted to result in the amino acid substitution p.Met1567Val. To our knowledge, this variant has not been reported in the literature. This variant is reported in 0.0047% of alleles in individuals of European (Non-Finnish) descent in gnomAD. At this time, the clinical significance of this variant is uncertain due to the absence of conclusive functional and genetic evidence.

NM_006269.2(RP1):c.4699A>G (p.Met1567Val)

Gene: RP1 (RP1 axonemal microtubule associated; plus strand). Cytogenetic location: 8q12.1.
Variant type: single nucleotide variant.
Coding change: c.4699A>G on transcript NM_006269.2 (MANE Select); coding-DNA position 4699, A replaced by G.
Protein change: p.Met1567Val; replaces methionine 1567 with valine.
Molecular consequence: missense variant.
Genome position (GRCh38, 1-based): chr8:54,628,581, A>G. VCF-style: chr8-54628581-A-G. GRCh37 (hg19) VCF-style: chr8-55541141-A-G.
Other names: short protein forms M1567V.
Identifiers: ClinVar variation 363301 (VCV000363301.14), dbSNP rs374421129, ClinGen allele CA4751933.